The following is an entry in ClinVar:

ClinVar aggregate classification (germline): Uncertain significance (1 of 4 stars; one submission).

Conditions:
Inborn genetic diseases. Identifiers: MedGen C0950123, MeSH D030342.

gnomAD v4.1: 2 of 1,614,110 alleles (0.00012%); highest among the groups gnomAD compares: Non-Finnish European, 0.00017%; no homozygotes.

Submission:

Ambry Genetics
Classification: Uncertain significance for Inborn genetic diseases. Last evaluated: 2025-04-29. Review status: criteria provided, single submitter. Criteria: Ambry Variant Classification Scheme 2023. Collection method: clinical testing. Allele origin: germline.
Comment: The p.E1169A variant (also known as c.3506A>C), located in coding exon 14 of the FANCM gene, results from an A to C substitution at nucleotide position 3506. The glutamic acid at codon 1169 is replaced by alanine, an amino acid with dissimilar properties. This amino acid position is conserved. In addition, this alteration is predicted to be tolerated by in silico analysis. Based on the available evidence, the clinical significance of this variant remains unclear.

NM_020937.4(FANCM):c.3506A>C (p.Glu1169Ala)

Gene: FANCM (FA complementation group M; plus strand). Cytogenetic location: 14q21.2.
Variant type: single nucleotide variant.
Coding change: c.3506A>C on transcript NM_020937.4 (MANE Select); coding-DNA position 3506, A replaced by C.
Protein change: p.Glu1169Ala; replaces glutamic acid 1169 with alanine.
Molecular consequence: missense variant.
Genome position (GRCh38, 1-based): chr14:45,176,260, A>C. VCF-style: chr14-45176260-A-C. GRCh37 (hg19) VCF-style: chr14-45645463-A-C.
Other names: c.3428A>C, p.Glu1143Ala (NM_001308133.2); short protein forms E1143A, E1169A.
Identifiers: ClinVar variation 4022734 (VCV004022734.1).